The following is an entry in ClinVar:

ClinVar aggregate classification (germline): Conflicting classifications of pathogenicity. Review status: criteria provided, conflicting classifications (1 of 4 stars). 2 submissions from 2 submitters: Likely pathogenic (1); Uncertain significance (1). Last evaluated 2026-09-02.

Conditions:
Neurofibromatosis, type 1 (NF1). Also called: VON RECKLINGHAUSEN DISEASE; Peripheral type neurofibromatosis; Neurofibromatosis, type I; NEUROFIBROMATOSIS, TYPE I, SOMATIC. Identifiers: Orphanet 636, MedGen C0027831, MONDO:0018975, OMIM 162200. Disease mechanism: loss of function.
Cardiovascular phenotype. Identifiers: MedGen CN230736.
Hereditary cancer-predisposing syndrome. Also called: Hereditary Cancer Syndrome; Hereditary neoplastic syndrome; Neoplastic Syndromes, Hereditary; Tumor predisposition. Identifiers: Orphanet 140162, MedGen C0027672, MeSH D009386, MONDO:0015356.

Allele frequency attached by ClinVar (database versions not stated): gnomAD exomes below 0.00001; TOPMed 0.00001.

Submissions (2):

Ambry Genetics
Classification: Uncertain significance for Cardiovascular phenotype; Hereditary cancer-predisposing syndrome. Last evaluated: 2026-09-02. Review status: criteria provided, single submitter. Criteria: Ambry Variant Classification Scheme 2023. Collection method: clinical testing. Allele origin: germline.
Comment: The p.D1828G variant (also known as c.5483A>G), located in coding exon 37 of the NF1 gene, results from an A to G substitution at nucleotide position 5483. The aspartic acid at codon 1828 is replaced by glycine, an amino acid with similar properties. This amino acid position is highly conserved in available vertebrate species. In addition, this alteration is predicted to be deleterious by in silico analysis. Based on the available evidence, the clinical significance of this variant remains unclear.

Labcorp Genetics (formerly Invitae), Labcorp
Classification: Likely pathogenic for Neurofibromatosis, type 1. Last evaluated: 2025-05-22. Review status: criteria provided, single submitter. Criteria: Invitae Variant Classification Sherloc (09022015). Collection method: clinical testing. Allele origin: germline.
Comment: This sequence change replaces aspartic acid, which is acidic and polar, with glycine, which is neutral and non-polar, at codon 1828 of the NF1 protein (p.Asp1828Gly). This variant is not present in population databases (gnomAD no frequency). This variant has not been reported in the literature in individuals affected with NF1-related conditions. ClinVar contains an entry for this variant (Variation ID: 1747815). Invitae Evidence Modeling of protein sequence and biophysical properties (such as structural, functional, and spatial information, amino acid conservation, physicochemical variation, residue mobility, and thermodynamic stability) indicates that this missense variant is expected to disrupt NF1 protein function with a positive predictive value of 95%. This variant disrupts the p.Asp1828 amino acid residue in NF1. Other variant(s) that disrupt this residue have been determined to be pathogenic (PMID: 28422438, 31766501; internal data). This suggests that this residue is clinically significant, and that variants that disrupt this residue are likely to be disease-causing. In summary, the currently available evidence indicates that the variant is pathogenic, but additional data are needed to prove that conclusively. Therefore, this variant has been classified as Likely Pathogenic.

Literature cited by the submitters: PubMed 28422438 (cited by Labcorp Genetics (formerly Invitae), Labcorp); PubMed 31766501 (cited by Labcorp Genetics (formerly Invitae), Labcorp).

NM_001042492.3(NF1):c.5546A>G (p.Asp1849Gly)

Gene: NF1 (neurofibromin 1; plus strand). Cytogenetic location: 17q11.2.
Variant type: single nucleotide variant.
Coding change: c.5546A>G on transcript NM_001042492.3 (MANE Select); coding-DNA position 5546, A replaced by G.
Protein change: p.Asp1849Gly; replaces aspartic acid 1849 with glycine.
Molecular consequence: missense variant.
Genome position (GRCh38, 1-based): chr17:31,327,776, A>G. VCF-style: chr17-31327776-A-G. GRCh37 (hg19) VCF-style: chr17-29654794-A-G.
Other names: c.5483A>G, p.Asp1828Gly (NM_000267.4); short protein forms D1828G, D1849G.
Identifiers: ClinVar variation 1747815 (VCV001747815.10), dbSNP rs1170679293, ClinGen allele CA399009837.